The following is an entry in ClinVar:

NM_001164508.2(NEB):c.17647A>C (p.Lys5883Gln)

Gene: NEB (nebulin; minus strand). Cytogenetic location: 2q23.3.
Variant type: single nucleotide variant.
Coding change: c.17647A>C on transcript NM_001164508.2 (MANE Select); coding-DNA position 17647, A replaced by C.
Protein change: p.Lys5883Gln; replaces lysine 5883 with glutamine.
Molecular consequence: missense variant.
Genome position (GRCh38, 1-based): chr2:151,568,405, T>G on the plus strand (A>C on the coding strand, the complement: NEB is on the minus strand). VCF-style: chr2-151568405-T-G. GRCh37 (hg19) VCF-style: chr2-152424919-T-G.
Other names: c.17647A>C, p.Lys5883Gln (NM_001164507.2, NM_001271208.2); c.12544A>C, p.Lys4182Gln (NM_004543.5); short protein forms K5883Q, K4182Q.
Identifiers: ClinVar variation 2141329 (VCV002141329.4), dbSNP rs2552194498, ClinGen allele CA348805039.

ClinVar aggregate classification (germline): Uncertain significance (1 of 4 stars; one submission).

Conditions:
Nemaline myopathy 2 (NEM2). Also called: Nemaline myopathy 2, autosomal recessive. Identifiers: MedGen C1850569, MONDO:0009725, OMIM 256030.

Allele frequency attached by ClinVar (database versions not stated): gnomAD exomes below 0.00001.
gnomAD v4.1: 2 of 1,589,650 alleles (0.00013%); highest among the groups gnomAD compares: Non-Finnish European, 0.000085%; no homozygotes.

Submission:

Labcorp Genetics (formerly Invitae), Labcorp
Classification: Uncertain significance for Nemaline myopathy 2. Last evaluated: 2022-07-30. Review status: criteria provided, single submitter. Criteria: Invitae Variant Classification Sherloc (09022015). Collection method: clinical testing. Allele origin: germline.
Comment: This variant has not been reported in the literature in individuals affected with NEB-related conditions. This sequence change replaces lysine, which is basic and polar, with glutamine, which is neutral and polar, at codon 5883 of the NEB protein (p.Lys5883Gln). This variant is not present in population databases (gnomAD no frequency). Algorithms developed to predict the effect of missense changes on protein structure and function are either unavailable or do not agree on the potential impact of this missense change (SIFT: "Deleterious"; PolyPhen-2: "Not Available"; Align-GVGD: "Class C0"). In summary, the available evidence is currently insufficient to determine the role of this variant in disease. Therefore, it has been classified as a Variant of Uncertain Significance.